The following is an entry in ClinVar:

NM_032608.7(MYO18B):c.6127G>A (p.Ala2043Thr)

Gene: MYO18B (myosin XVIIIB; plus strand). Cytogenetic location: 22q12.1.
Variant type: single nucleotide variant.
Coding change: c.6127G>A on transcript NM_032608.7 (MANE Select); coding-DNA position 6127, G replaced by A.
Protein change: p.Ala2043Thr; replaces alanine 2043 with threonine.
Molecular consequence: missense variant.
Genome position (GRCh38, 1-based): chr22:25,955,335, G>A. VCF-style: chr22-25955335-G-A. GRCh37 (hg19) VCF-style: chr22-26351301-G-A.
Other names: c.6130G>A, p.Ala2044Thr (NM_001318245.2); short protein forms A2043T, A2044T.
Identifiers: ClinVar variation 1518913 (VCV001518913.4), dbSNP rs762749518, ClinGen allele CA10161403.

ClinVar aggregate classification (germline): Uncertain significance (1 of 4 stars; one submission).

Allele frequency attached by ClinVar (database versions not stated): ExAC 0.00001; gnomAD exomes 0.00002; gnomAD 0.00004 and 0.00005; TOPMed 0.00004.
gnomAD v4.1: 18 of 1,613,504 alleles (0.0011%); highest among the groups gnomAD compares: African/African-American, 0.016%; no homozygotes.

Submission:

Labcorp Genetics (formerly Invitae), Labcorp
Classification: Uncertain significance. Last evaluated: 2023-04-16. Review status: criteria provided, single submitter. Criteria: Invitae Variant Classification Sherloc (09022015). Collection method: clinical testing. Allele origin: germline.
Comment: In summary, the available evidence is currently insufficient to determine the role of this variant in disease. Therefore, it has been classified as a Variant of Uncertain Significance. Algorithms developed to predict the effect of missense changes on protein structure and function output the following: SIFT: "Not Available"; PolyPhen-2: "Benign"; Align-GVGD: "Not Available". The threonine amino acid residue is found in multiple mammalian species, which suggests that this missense change does not adversely affect protein function. ClinVar contains an entry for this variant (Variation ID: 1518913). This variant has not been reported in the literature in individuals affected with MYO18B-related conditions. This variant is present in population databases (rs762749518, gnomAD 0.02%). This sequence change replaces alanine, which is neutral and non-polar, with threonine, which is neutral and polar, at codon 2043 of the MYO18B protein (p.Ala2043Thr).